The following is an entry in ClinVar:

NM_003737.4(DCHS1):c.2877A>C (p.Ser959=)

Gene: DCHS1 (dachsous cadherin-related 1; minus strand). Cytogenetic location: 11p15.4.
Variant type: single nucleotide variant.
Coding change: c.2877A>C on transcript NM_003737.4 (MANE Select); coding-DNA position 2877, A replaced by C.
Protein change: p.Ser959=; no amino-acid change (serine 959 retained).
Molecular consequence: synonymous variant.
Genome position (GRCh38, 1-based): chr11:6,632,635, T>G on the plus strand (A>C on the coding strand, the complement: DCHS1 is on the minus strand). VCF-style: chr11-6632635-T-G. GRCh37 (hg19) VCF-style: chr11-6653866-T-G.
Identifiers: ClinVar variation 4874482 (VCV004874482.2).

ClinVar aggregate classification (germline): Likely benign (1 of 4 stars; one submission).

Submission:

CeGaT Center for Human Genetics Tuebingen
Classification: Likely benign. Last evaluated: 2026-05-01. Review status: criteria provided, single submitter. Criteria: CeGaT Center For Human Genetics Tuebingen Variant Classification Criteria Version 2. Collection method: clinical testing. Allele origin: germline. Affected: yes. Observed: 1 variant allele.
Comment: DCHS1: PM2:Supporting, BP4, BP7